The following is an entry in ClinVar:

NM_001719.3(BMP7):c.419-210G>A

Gene: BMP7 (bone morphogenetic protein 7; minus strand). Cytogenetic location: 20q13.31.
Variant type: single nucleotide variant.
Coding change: c.419-210G>A on transcript NM_001719.3 (MANE Select); 210 bases into the intron before coding-DNA position 419, G replaced by A.
Molecular consequence: intron variant.
Genome position (GRCh38, 1-based): chr20:57,228,631, C>T on the plus strand (G>A on the coding strand, the complement: BMP7 is on the minus strand). VCF-style: chr20-57228631-C-T. GRCh37 (hg19) VCF-style: chr20-55803687-C-T.
Identifiers: ClinVar variation 667563 (VCV000667563.1), dbSNP rs17404303, ClinGen allele CA15977714.

ClinVar aggregate classification (germline): Benign (1 of 4 stars; one submission).

Allele frequency attached by ClinVar (database versions not stated): 1000 Genomes Project 30x 0.23314; 1000 Genomes Project 0.23482; TOPMed 0.29332; gnomAD 0.31651 and 0.31776.
gnomAD v4.1: 48,402 of 152,032 alleles (32%); highest among the groups gnomAD compares: Non-Finnish European, 42%; 9,169 homozygotes.

Submission:

GeneDx
Classification: Benign. Last evaluated: 2018-06-19. Review status: criteria provided, single submitter. Criteria: GeneDx Variant Classification (06012015). Collection method: clinical testing. Allele origin: germline. Affected: yes.
Comment: This variant is considered likely benign or benign based on one or more of the following criteria: it is a conservative change, it occurs at a poorly conserved position in the protein, it is predicted to be benign by multiple in silico algorithms, and/or has population frequency not consistent with disease.